The following is an entry in ClinVar:

NM_000166.6(GJB1):c.824A>G (p.Glu275Gly)

Gene: GJB1 (gap junction protein beta 1; plus strand). Cytogenetic location: Xq13.1.
Variant type: single nucleotide variant.
Coding change: c.824A>G on transcript NM_000166.6 (MANE Select); coding-DNA position 824, A replaced by G.
Protein change: p.Glu275Gly; replaces glutamic acid 275 with glycine.
Molecular consequence: missense variant.
Genome position (GRCh38, 1-based): chrX:71,224,531, A>G. VCF-style: chrX-71224531-A-G. GRCh37 (hg19) VCF-style: chrX-70444381-A-G.
Other names: c.824A>G, p.Glu275Gly (NM_001097642.3, NM_001440770.1); short protein forms E275G.
Identifiers: ClinVar variation 4737043 (VCV004737043.1).

ClinVar aggregate classification (germline): Uncertain significance (1 of 4 stars; one submission).

Conditions:
Charcot-Marie-Tooth Neuropathy X. Identifiers: MedGen CN118851.

Submission:

Labcorp Genetics (formerly Invitae), Labcorp
Classification: Uncertain significance for Charcot-Marie-Tooth Neuropathy X. Last evaluated: 2025-03-10. Review status: criteria provided, single submitter. Criteria: Invitae Variant Classification Sherloc (09022015). Collection method: clinical testing. Allele origin: germline.
Comment: This sequence change replaces glutamic acid, which is acidic and polar, with glycine, which is neutral and non-polar, at codon 275 of the GJB1 protein (p.Glu275Gly). This variant is present in population databases (rs749605877, gnomAD 0.002%). This variant has not been reported in the literature in individuals affected with GJB1-related conditions. Invitae Evidence Modeling of protein sequence and biophysical properties (such as structural, functional, and spatial information, amino acid conservation, physicochemical variation, residue mobility, and thermodynamic stability) has been performed for this missense variant. However, the output from this modeling did not meet the statistical confidence thresholds required to predict the impact of this variant on GJB1 protein function. In summary, the available evidence is currently insufficient to determine the role of this variant in disease. Therefore, it has been classified as a Variant of Uncertain Significance.